The following is an entry in ClinVar:

NM_006493.4(CLN5):c.173+1G>A

Genes: CLN5 (CLN5 lysosomal BMP synthase; plus strand), LOC130009913 (ATAC-STARR-seq lymphoblastoid silent region 5414; plus strand). Cytogenetic location: 13q22.3.
Variant type: single nucleotide variant.
Coding change: c.173+1G>A on transcript NM_006493.4 (MANE Select); the canonical splice donor site of the intron after coding-DNA position 173, G replaced by A.
Molecular consequence: splice donor variant.
Genome position (GRCh38, 1-based): chr13:76,992,272, G>A. VCF-style: chr13-76992272-G-A. GRCh37 (hg19) VCF-style: chr13-77566407-G-A.
Other names: c.173+1G>A (NM_001366624.2).
Identifiers: ClinVar variation 2680838 (VCV002680838.4), dbSNP rs1739482158, ClinGen allele CA388306965.
Genomic context (GRCh38, chr13:76,992,272, plus strand): 5'-TCCGGGCTGGTCCCGGGTCTCGGGCATCCCCTCCCGGCGCCACTGGCCGGTGCCCTACAA[G>A]TGAGTGCGGCGGCGCGCGCACTGTCGGGGTTGGGGTCGGCGTTGACGATGGGGGATGGGG-3'

ClinVar aggregate classification (germline): Likely pathogenic. Review status: criteria provided, multiple submitters, no conflicts (2 of 4 stars). 2 submissions from 2 submitters: Likely pathogenic (2). Last evaluated 2023-03-24.

Conditions:
Neuronal ceroid lipofuscinosis. Also called: Neuronal Ceroid Lipofuscinoses. Identifiers: Orphanet 216, Orphanet 79263, MedGen C0027877, MONDO:0016295. Disease mechanism: loss of function.
Neuronal ceroid lipofuscinosis 5 (CLN5). Also called: CLN5-Related Neuronal Ceroid-Lipofuscinosis; CEROID LIPOFUSCINOSIS, NEURONAL, 5, VARIABLE AGE AT ONSET; Neuronal ceroid lipofuscinosis Finnish variant; NEURONAL CEROID LIPOFUSCINOSIS, LATE INFANTILE, FINNISH VARIANT. Identifiers: Orphanet 168491, Orphanet 228360, MedGen C1850442, MONDO:0009745, OMIM 256731.

Allele frequency attached by ClinVar (database versions not stated): gnomAD 0.00001.

Submissions (2):

Baylor Genetics
Classification: Likely pathogenic for Neuronal ceroid lipofuscinosis 5. Last evaluated: 2023-03-24. Review status: criteria provided, single submitter. Criteria: ACMG Guidelines, 2015. Collection method: clinical testing. Allele origin: unknown.

Labcorp Genetics (formerly Invitae), Labcorp
Classification: Likely pathogenic for Neuronal ceroid lipofuscinosis. Last evaluated: 2022-11-04. Review status: criteria provided, single submitter. Criteria: Invitae Variant Classification Sherloc (09022015). Collection method: clinical testing. Allele origin: germline.
Comment: This sequence change affects a donor splice site in intron 1 of the CLN5 gene. It is expected to disrupt RNA splicing. Variants that disrupt the donor or acceptor splice site typically lead to a loss of protein function (PMID: 16199547), and loss-of-function variants in CLN5 are known to be pathogenic (PMID: 20157158). This variant is not present in population databases (gnomAD no frequency). This variant has not been reported in the literature in individuals affected with CLN5-related conditions. Algorithms developed to predict the effect of sequence changes on RNA splicing suggest that this variant may disrupt the consensus splice site. In summary, the currently available evidence indicates that the variant is pathogenic, but additional data are needed to prove that conclusively. Therefore, this variant has been classified as Likely Pathogenic.

Literature cited by the submitters: PubMed 16199547 (cited by Labcorp Genetics (formerly Invitae), Labcorp); PubMed 20157158 (cited by Labcorp Genetics (formerly Invitae), Labcorp).